The following is an entry in ClinVar:

ClinVar aggregate classification (germline): Uncertain significance (1 of 4 stars; one submission).

Conditions:
RASopathy. Also called: rasopathies; Noonan spectrum disorder. Identifiers: Orphanet 536391, MedGen C5555857, MONDO:0021060.

Submission:

Labcorp Genetics (formerly Invitae), Labcorp
Classification: Uncertain significance for RASopathy. Last evaluated: 2025-12-09. Review status: criteria provided, single submitter. Criteria: Invitae Variant Classification Sherloc (09022015). Collection method: clinical testing. Allele origin: germline.
Comment: This sequence change replaces alanine, which is neutral and non-polar, with valine, which is neutral and non-polar, at codon 509 of the PTPN11 protein (p.Ala509Val). This variant is not present in population databases (gnomAD no frequency). This variant has not been reported in the literature in individuals affected with PTPN11-related conditions. Invitae Evidence Modeling of protein sequence and biophysical properties (such as structural, functional, and spatial information, amino acid conservation, physicochemical variation, residue mobility, and thermodynamic stability) has been performed for this missense variant. However, the output from this modeling did not meet the statistical confidence thresholds required to predict the impact of this variant on PTPN11 protein function. In summary, the available evidence is currently insufficient to determine the role of this variant in disease. Therefore, it has been classified as a Variant of Uncertain Significance.

NM_002834.5(PTPN11):c.1526C>T (p.Ala509Val)

Gene: PTPN11 (protein tyrosine phosphatase non-receptor type 11; plus strand). Cytogenetic location: 12q24.13.
Variant type: single nucleotide variant.
Coding change: c.1526C>T on transcript NM_002834.5 (MANE Select); coding-DNA position 1526, C replaced by T.
Protein change: p.Ala509Val; replaces alanine 509 with valine.
Molecular consequence: missense variant.
Genome position (GRCh38, 1-based): chr12:112,489,102, C>T. VCF-style: chr12-112489102-C-T. GRCh37 (hg19) VCF-style: chr12-112926906-C-T.
Other names: c.1538C>T, p.Ala513Val (NM_001330437.2); c.1523C>T, p.Ala508Val (NM_001374625.1); short protein forms A508V, A509V, A513V.
Identifiers: ClinVar variation 4803098 (VCV004803098.1).
Genomic context (GRCh38, chr12:112,489,102, plus strand): 5'-ACGTTCCCAAAACCATCCAGATGGTGCGGTCTCAGAGGTCAGGGATGGTCCAGACAGAAG[C>T]ACAGTACCGATTTATCTATATGGCGGTCCAGCATTATATTGAAACACTACAGCGCAGGAT-3'
Protein context (NP_002825.3, residues 499-519): SQRSGMVQTE[Ala509Val]QYRFIYMAVQ